The following is an entry in ClinVar:

ClinVar aggregate classification (germline): Uncertain significance. Review status: criteria provided, multiple submitters, no conflicts (2 of 4 stars). 2 submissions from 2 submitters: Uncertain significance (2). Last evaluated 2024-03-19.

Conditions:
POLD1-related polyposis and colorectal cancer syndrome (CRCS10). Also called: Colorectal cancer, susceptibility to, 10; Colorectal cancer 10; COLORECTAL CANCER, SUSCEPTIBILITY TO, ON CHROMOSOME 19q. Identifiers: Orphanet 220460, MedGen C2675481, MONDO:0012953, OMIM 612591.
Hereditary cancer-predisposing syndrome. Also called: Hereditary Cancer Syndrome; Hereditary neoplastic syndrome; Neoplastic Syndromes, Hereditary; Tumor predisposition. Identifiers: Orphanet 140162, MedGen C0027672, MeSH D009386, MONDO:0015356.

Allele frequency attached by ClinVar (database versions not stated): gnomAD exomes below 0.00001.
gnomAD v4.1: 1 of 1,610,354 alleles (0.000062%); highest among the groups gnomAD compares: East Asian, 0.0022%; no homozygotes.

Submissions (2):

Labcorp Genetics (formerly Invitae), Labcorp
Classification: Uncertain significance for POLD1-related polyposis and colorectal cancer syndrome. Last evaluated: 2024-03-19. Review status: criteria provided, single submitter. Criteria: Invitae Variant Classification Sherloc (09022015). Collection method: clinical testing. Allele origin: germline.
Comment: This sequence change replaces glutamine, which is neutral and polar, with arginine, which is basic and polar, at codon 411 of the POLD1 protein (p.Gln411Arg). This variant is present in population databases (no rsID available, gnomAD 0.006%). This variant has not been reported in the literature in individuals affected with POLD1-related conditions. ClinVar contains an entry for this variant (Variation ID: 2563166). Advanced modeling of protein sequence and biophysical properties (such as structural, functional, and spatial information, amino acid conservation, physicochemical variation, residue mobility, and thermodynamic stability) performed at Invitae indicates that this missense variant is not expected to disrupt POLD1 protein function with a negative predictive value of 80%. In summary, the available evidence is currently insufficient to determine the role of this variant in disease. Therefore, it has been classified as a Variant of Uncertain Significance.

Ambry Genetics
Classification: Uncertain significance for Hereditary cancer-predisposing syndrome. Last evaluated: 2023-03-26. Review status: criteria provided, single submitter. Criteria: Ambry Variant Classification Scheme 2023. Collection method: clinical testing. Allele origin: germline.
Comment: The p.Q411R variant (also known as c.1232A>G), located in coding exon 9 of the POLD1 gene, results from an A to G substitution at nucleotide position 1232. The glutamine at codon 411 is replaced by arginine, an amino acid with highly similar properties. This amino acid position is conserved. In addition, this alteration is predicted to be tolerated by in silico analysis. Since supporting evidence is limited at this time, the clinical significance of this alteration remains unclear.

NM_002691.4(POLD1):c.1232A>G (p.Gln411Arg)

Gene: POLD1 (DNA polymerase delta 1, catalytic subunit; plus strand). Cytogenetic location: 19q13.33.
Variant type: single nucleotide variant.
Coding change: c.1232A>G on transcript NM_002691.4 (MANE Select); coding-DNA position 1232, A replaced by G.
Protein change: p.Gln411Arg; replaces glutamine 411 with arginine.
Molecular consequence: missense variant. On other transcripts: non-coding transcript variant (1).
Genome position (GRCh38, 1-based): chr19:50,403,587, A>G. VCF-style: chr19-50403587-A-G. GRCh37 (hg19) VCF-style: chr19-50906844-A-G.
Other names: c.1232A>G, p.Gln411Arg (NM_001256849.1, NM_001308632.1); short protein forms Q411R.
Identifiers: ClinVar variation 2563166 (VCV002563166.4), dbSNP rs1378154786, ClinGen allele CA406978630.
Genomic context (GRCh38, chr19:50,403,587, plus strand): 5'-ACGTGATCACCGGTTACAACATCCAGAACTTCGACCTTCCGTACCTCATCTCTCGGGCCC[A>G]GACCCTCAAGGTGAGGGCTGGGCAGGTGGGAGGCTTCTCTCAGATGCCCCAGGTGTGGCC-3'
Protein context (NP_002682.2, residues 401-421): FDLPYLISRA[Gln411Arg]TLKVQTFPFL